The following is an entry in ClinVar:

NM_000038.6(APC):c.8383G>A (p.Ala2795Thr)

Gene: APC (APC regulator of Wnt signaling pathway; plus strand). Cytogenetic location: 5q22.2.
Variant type: single nucleotide variant.
Coding change: c.8383G>A on transcript NM_000038.6 (MANE Select); coding-DNA position 8383, G replaced by A.
Protein change: p.Ala2795Thr; replaces alanine 2795 with threonine.
Molecular consequence: missense variant.
Genome position (GRCh38, 1-based): chr5:112,843,977, G>A. VCF-style: chr5-112843977-G-A. GRCh37 (hg19) VCF-style: chr5-112179674-G-A.
Other names: c.8383G>A, p.Ala2795Thr (NM_001127510.3, NM_001354895.2); c.8329G>A, p.Ala2777Thr (NM_001127511.3); c.8437G>A, p.Ala2813Thr (NM_001354896.2); c.8413G>A, p.Ala2805Thr (NM_001354897.2); c.8308G>A, p.Ala2770Thr (NM_001354898.2); c.8299G>A, p.Ala2767Thr (NM_001354899.2); c.8260G>A, p.Ala2754Thr (NM_001354900.2); c.8206G>A, p.Ala2736Thr (NM_001354901.2); and 5 more; short protein forms A2777T, A2795T, A2635T, A2669T, A2704T, A2736T, A2754T, A2813T.
Identifiers: ClinVar variation 141047 (VCV000141047.52), dbSNP rs369264968, ClinGen allele CA015437.
Genomic context (GRCh38, chr5:112,843,977, plus strand): 5'-GGGACTGTTGCTGCCAGAGTGACTCCTTTTAATTACAACCCAAGCCCTAGGAAAAGCAGC[G>A]CAGATAGCACTTCAGCTCGGCCATCTCAGATCCCAACTCCAGTGAATAACAACACAAAGA-3'
Protein context (NP_000029.2, residues 2785-2805): NYNPSPRKSS[Ala2795Thr]DSTSARPSQI

ClinVar aggregate classification (germline): Conflicting classifications of pathogenicity. Review status: criteria provided, conflicting classifications (1 of 4 stars). 18 submissions from 18 submitters: Uncertain significance (6); Benign (3); Likely benign (5). 4 of the submissions do not count toward it. Last evaluated 2026-01-31.

Conditions:
APC-related disorder. Also called: APC-related condition.
Colorectal adenoma. Identifiers: MedGen C1302401, MONDO:0005484.
Hereditary cancer-predisposing syndrome. Also called: Tumor predisposition; Neoplastic Syndromes, Hereditary; Hereditary neoplastic syndrome; Hereditary Cancer Syndrome. Identifiers: Orphanet 140162, MedGen C0027672, MeSH D009386, MONDO:0015356.
Familial adenomatous polyposis 1 (FAP1). Also called: FAMILIAL ADENOMATOUS POLYPOSIS 1, ATTENUATED; POLYPOSIS, ADENOMATOUS INTESTINAL. Identifiers: MedGen C2713442, MONDO:0021056, OMIM 175100. Disease mechanism: loss of function.

Allele frequency attached by ClinVar (database versions not stated): ExAC 0.00003; gnomAD 0.00003; gnomAD exomes 0.00004 and 0.00005; TOPMed 0.00006; ESP Exome Variant Server 0.00008.
gnomAD v4.1: 66 of 1,602,810 alleles (0.0041%); highest among the groups gnomAD compares: East Asian, 0.0089%; no homozygotes.

Submissions (18):

Labcorp Genetics (formerly Invitae), Labcorp
Classification: Benign for Familial adenomatous polyposis 1. Last evaluated: 2026-01-31. Review status: criteria provided, single submitter. Criteria: Invitae Variant Classification Sherloc (09022015). Collection method: clinical testing. Allele origin: germline.

Center for Genomic Medicine, Rigshospitalet, Copenhagen University Hospital
Classification: Likely benign. Last evaluated: 2025-12-29. Review status: criteria provided, single submitter. Criteria: ACMG Guidelines, 2015. Collection method: clinical testing. Allele origin: germline.
Comment: Classification criteria: BS1, BP1

PreventionGenetics, part of Exact Sciences
Classification: Likely benign for APC-related condition. Last evaluated: 2025-10-09. Review status: criteria provided, single submitter. Criteria: ACMG Guidelines, 2015. Collection method: clinical testing. Allele origin: germline.
Comment: This variant is classified as likely benign based on ACMG/AMP sequence variant interpretation guidelines (Richards et al. 2015 PMID: 25741868, with internal and published modifications).

Quest Diagnostics Nichols Institute San Juan Capistrano
Classification: Likely benign. Last evaluated: 2025-06-09. Review status: criteria provided, single submitter. Criteria: Quest Diagnostics criteria. Collection method: clinical testing. Allele origin: unknown.

Color Diagnostics, LLC DBA Color Health
Classification: Likely benign for Hereditary cancer-predisposing syndrome. Last evaluated: 2024-09-19. Review status: criteria provided, single submitter. Criteria: ACMG Guidelines, 2015. Collection method: clinical testing. Allele origin: germline.

Myriad Genetics, Inc.
Classification: Uncertain significance for Familial adenomatous polyposis 1. Last evaluated: 2023-02-21. Review status: criteria provided, single submitter. Criteria: Myriad Autosomal Dominant, Autosomal Recessive and X-Linked Classification Criteria (2023). Collection method: clinical testing. Allele origin: unknown.
Comment: This variant is classified as a variant of uncertain significance as there is insufficient evidence to determine its impact on protein function and/or cancer risk.

St. Jude Molecular Pathology, St. Jude Children's Research Hospital
Classification: Uncertain significance for Familial adenomatous polyposis 1. Last evaluated: 2022-02-10. Review status: criteria provided, single submitter. Criteria: St. Jude Assertion Criteria 2020. Collection method: clinical testing. Allele origin: germline.
Comment: The APC c.8383G>A (p.Ala2795Thr) missense change has a maximum subpopulation frequency of 0.020% in gnomAD v2.1.1. Seven of seven in silico tools predict a benign effect of this variant on protein function (BP4), but to our knowledge these predictions have not been confirmed by functional assays. This variant has been reported in individuals with colorectal adenomas (PMID: 18199528,29245953) and colorectal cancer (PMID: 25559809,27302369). This variant is also known as p.Ala2777Thr in the literature. In summary, this variant meets criteria to be classified as of uncertain significance based on the ACMG/AMP criteria: BP4.

Institute for Clinical Genetics, University Hospital TU Dresden, University Hospital TU Dresden
Classification: Uncertain significance. Last evaluated: 2021-11-03. Review status: criteria provided, single submitter. Criteria: ACMG Guidelines, 2015. Collection method: clinical testing. Allele origin: germline.

Sema4
Classification: Uncertain significance for Hereditary cancer-predisposing syndrome. Last evaluated: 2021-07-26. Review status: criteria provided, single submitter. Criteria: Sema4 Curation Guidelines. Collection method: curation. Allele origin: germline.
Comment: The APC c.8383G>A (p.A2795T) variant has been reported in 2 individuals with colorectal adenomas and colorectal cancer (PMID's 18199528, 25559809). This variant was observed in 4/19712 chromosomes in the East Asian population, according to the Genome Aggregation Database (PMID: 32461654). This variant has been reported in ClinVar (Variation ID 141047). Functional studies have not been performed and in silico tool predictions of the variants effect on protein function are inconclusive. The evidence is insufficient to meet ACMG/AMP criteria for classifying the variant as benign or pathogenic. In summary, the clinical significance of this variant is currently uncertain.

Ambry Genetics
Classification: Benign for Hereditary cancer-predisposing syndrome. Last evaluated: 2021-03-12. Review status: criteria provided, single submitter. Criteria: Ambry Variant Classification Scheme 2023. Collection method: clinical testing. Allele origin: germline.

Women's Health and Genetics/Laboratory Corporation of America, LabCorp
Classification: Uncertain significance. Last evaluated: 2020-10-09. Review status: criteria provided, single submitter. Criteria: LabCorp Variant Classification Summary - May 2015. Collection method: clinical testing. Allele origin: germline.
Comment: Variant summary: APC c.8383G>A (p.Ala2795Thr) results in a non-conservative amino acid change located in the EB-1 binding domain of the encoded protein sequence. Three of five in-silico tools predict a benign effect of the variant on protein function. The variant allele was found at a frequency of 4.5e-05 in 244578 control chromosomes, predominantly at a frequency of 0.00017 within the East Asian subpopulation in the gnomAD database. The available data on variant occurrences in the general population are insufficient to allow any conclusion about variant significance. c.8383G>A has been reported in the literature in individuals affected with colorectal adenomas (Azzopardi_2008) and colorectal cancer (Chubb_2015). These reports do not provide unequivocal conclusions about association of the variant with Familial Adenomatous Polyposis. To our knowledge, no experimental evidence demonstrating an impact on protein function has been reported. Eight other clinical diagnostic laboratories have submitted clinical-significance assessments for this variant to ClinVar after 2014 without evidence for independent evaluation. Multiple laboratories reported the variant with conflicting assessments (uncertain significance, n=6; benign/likely benign, n=2). Based on the evidence outlined above, the variant was classified as uncertain significance.

GeneDx
Classification: Likely benign. Last evaluated: 2019-06-07. Review status: criteria provided, single submitter. Criteria: GeneDx Variant Classification Process June 2021. Collection method: clinical testing. Allele origin: germline. Affected: yes.
Comment: Not observed at a significant frequency in large population cohorts (Lek et al., 2016); This variant is associated with the following publications: (PMID: 21859464, 25637381, 25559809, 27930734, 18199528)

Mendelics
Classification: Benign for Familial adenomatous polyposis 1. Last evaluated: 2019-05-28. Review status: criteria provided, single submitter. Criteria: Mendelics Assertion Criteria 2017. Collection method: clinical testing. Allele origin: unknown.

Laboratory for Molecular Medicine, Mass General Brigham Personalized Medicine
Classification: Uncertain significance. Last evaluated: 2016-06-23. Review status: criteria provided, single submitter. Criteria: LMM Criteria. Collection method: clinical testing. Allele origin: germline.
Comment: Variant identified in a genome or exome case(s) and assessed due to predicted null impact of the variant or pathogenic assertions in the literature or databases. Disclaimer: This variant has not undergone full assessment. The following are preliminary notes: ClinVar: 1 VUS, 1 LB; Identified in one study in a group of patients designated as non-FAP/non-MAP but with 11-99 colorectal adenomas.

Counsyl
Classification: Uncertain significance for Familial adenomatous polyposis 1. Last evaluated: 2016-08-24. Review status: no assertion criteria provided. Collection method: clinical testing. Allele origin: unknown. Not counted in ClinVar's aggregate classification.

CSER _CC_NCGL, University of Washington
Classification: Likely benign for Colorectal adenoma. Last evaluated: 2014-06-01. Review status: no assertion criteria provided. Collection method: research. Allele origin: germline. Inheritance: Autosomal dominant inheritance. Study: ESP 6500 variant annotation. Not counted in ClinVar's aggregate classification.
Comment: Variants classified for the Actionable exomic incidental findings in 6503 participants: challenges of variant classification manuscript

Genome Diagnostics Laboratory, Amsterdam University Medical Center
Classification: Likely benign. Review status: no assertion criteria provided. Collection method: clinical testing. Allele origin: germline. Affected: yes. Study: VKGL Data-share Consensus. Not counted in ClinVar's aggregate classification.

Joint Genome Diagnostic Labs from Nijmegen and Maastricht, Radboudumc and MUMC+
Classification: Likely benign. Review status: no assertion criteria provided. Collection method: clinical testing. Allele origin: germline. Affected: yes. Study: VKGL Data-share Consensus. Not counted in ClinVar's aggregate classification.

Literature cited by the submitters: PubMed 25559809 (cited by 4 submitters); PubMed 21859464 (cited by Quest Diagnostics Nichols Institute San Juan Capistrano and Ambry Genetics); PubMed 18199528 (cited by 4 submitters); PubMed 36901686 (cited by Quest Diagnostics Nichols Institute San Juan Capistrano); PubMed 29245953 (cited by Quest Diagnostics Nichols Institute San Juan Capistrano); PubMed 36072793 (cited by Quest Diagnostics Nichols Institute San Juan Capistrano); PubMed 25637381 (cited by Ambry Genetics and Women's Health and Genetics/Laboratory Corporation of America, LabCorp).